The following is an entry in ClinVar:

NM_000435.3(NOTCH3):c.5907T>C (p.Asp1969=)

Gene: NOTCH3 (notch receptor 3; minus strand). Cytogenetic location: 19p13.12.
Variant type: single nucleotide variant.
Coding change: c.5907T>C on transcript NM_000435.3 (MANE Select); coding-DNA position 5907, T replaced by C.
Protein change: p.Asp1969=; no amino-acid change (aspartic acid 1969 retained).
Molecular consequence: synonymous variant.
Genome position (GRCh38, 1-based): chr19:15,162,471, A>G on the plus strand (T>C on the coding strand, the complement: NOTCH3 is on the minus strand). VCF-style: chr19-15162471-A-G. GRCh37 (hg19) VCF-style: chr19-15273282-A-G.
Other names: p.Asp1969=.
Identifiers: ClinVar variation 4684316 (VCV004684316.1).

ClinVar aggregate classification (germline): Likely benign (1 of 4 stars; one submission).

gnomAD v4.1: 7 of 1,612,866 alleles (0.00043%); highest among the groups gnomAD compares: African/African-American, 0.0013%; no homozygotes.

Submission:

Mayo Clinic Laboratories, Mayo Clinic
Classification: Likely benign. Last evaluated: 2025-08-25. Review status: criteria provided, single submitter. Criteria: ACMG Guidelines, 2015. Collection method: clinical testing. Allele origin: germline. Observed: 1 variant allele.
Comment: BP4, BP7